The following is an entry in ClinVar:

NM_213599.3(ANO5):c.2681A>T (p.Glu894Val)

Gene: ANO5 (anoctamin 5; plus strand). Cytogenetic location: 11p14.3.
Variant type: single nucleotide variant.
Coding change: c.2681A>T on transcript NM_213599.3 (MANE Select); coding-DNA position 2681, A replaced by T.
Protein change: p.Glu894Val; replaces glutamic acid 894 with valine.
Molecular consequence: missense variant.
Genome position (GRCh38, 1-based): chr11:22,279,704, A>T. VCF-style: chr11-22279704-A-T. GRCh37 (hg19) VCF-style: chr11-22301250-A-T.
Other names: c.2678A>T, p.Glu893Val (NM_001142649.2); c.2639A>T, p.Glu880Val (NM_001410963.1); c.2636A>T, p.Glu879Val (NM_001410964.1); short protein forms E879V, E880V, E893V, E894V.
Identifiers: ClinVar variation 3753743 (VCV003753743.2).

ClinVar aggregate classification (germline): Uncertain significance (1 of 4 stars; one submission).

Conditions:
Gnathodiaphyseal dysplasia (GDD). Also called: GNATHODIAPHYSEAL SCLEROSIS; OSTEOGENESIS IMPERFECTA WITH UNUSUAL SKELETAL LESIONS. Identifiers: Orphanet 53697, MedGen C1833736, MONDO:0008151, OMIM 166260.
Autosomal recessive limb-girdle muscular dystrophy type 2L (LGMDR12). Also called: Limb-girdle muscular dystrophy, type 2L; MUSCULAR DYSTROPHY, LIMB-GIRDLE, AUTOSOMAL RECESSIVE 12; Limb-Girdle Muscular Dystrophy R12 Anoctamin-5-Related (LGMD-R12). Identifiers: Orphanet 206549, MedGen C1969785, MONDO:0012652, OMIM 611307.

gnomAD v4.1: 5 of 1,612,890 alleles (0.00031%); highest among the groups gnomAD compares: Non-Finnish European, 0.00042%; no homozygotes.

Submission:

Labcorp Genetics (formerly Invitae), Labcorp
Classification: Uncertain significance for Autosomal recessive limb-girdle muscular dystrophy type 2L; Gnathodiaphyseal dysplasia. Last evaluated: 2024-05-25. Review status: criteria provided, single submitter. Criteria: Invitae Variant Classification Sherloc (09022015). Collection method: clinical testing. Allele origin: germline.
Comment: This sequence change replaces glutamic acid, which is acidic and polar, with valine, which is neutral and non-polar, at codon 894 of the ANO5 protein (p.Glu894Val). This variant is not present in population databases (gnomAD no frequency). This variant has not been reported in the literature in individuals affected with ANO5-related conditions. Advanced modeling of protein sequence and biophysical properties (such as structural, functional, and spatial information, amino acid conservation, physicochemical variation, residue mobility, and thermodynamic stability) has been performed at Invitae for this missense variant, however the output from this modeling did not meet the statistical confidence thresholds required to predict the impact of this variant on ANO5 protein function. In summary, the available evidence is currently insufficient to determine the role of this variant in disease. Therefore, it has been classified as a Variant of Uncertain Significance.